The following is an entry in ClinVar:

NM_018433.6(KDM3A):c.2809C>T (p.Leu937=)

Genes: KDM3A (lysine demethylase 3A; plus strand), LOC126806265 (CDK7 strongly-dependent group 2 enhancer GRCh37_chr2:86708929-86710128; plus strand). Cytogenetic location: 2p11.2.
Variant type: single nucleotide variant.
Coding change: c.2809C>T on transcript NM_018433.6 (MANE Select); coding-DNA position 2809, C replaced by T.
Protein change: p.Leu937=; no amino-acid change (leucine 937 retained).
Molecular consequence: synonymous variant.
Genome position (GRCh38, 1-based): chr2:86,482,581, C>T. VCF-style: chr2-86482581-C-T. GRCh37 (hg19) VCF-style: chr2-86709704-C-T.
Other names: c.2809C>T, p.Leu937= (NM_001146688.2); c.2809C>T (NM_018433.5).
Identifiers: ClinVar variation 775743 (VCV000775743.7), dbSNP rs34673273, ClinGen allele CA1749774.

ClinVar aggregate classification (germline): Benign. Review status: criteria provided, multiple submitters, no conflicts (2 of 4 stars). 3 submissions from 3 submitters: Benign (2). 1 of the submissions does not count toward it. Last evaluated 2019-12-31.

Conditions:
KDM3A-related disorder. Also called: KDM3A-related condition.

Allele frequency attached by ClinVar (database versions not stated): gnomAD exomes 0.00206 and 0.00572; ExAC 0.00732; gnomAD 0.02241 and 0.02413; 1000 Genomes Project 0.02436; TOPMed 0.02525; 1000 Genomes Project 30x 0.02545; ESP Exome Variant Server 0.02906.
gnomAD v4.1: 6,564 of 1,614,056 alleles (0.41%); highest among the groups gnomAD compares: African/African-American, 7.8%; 252 homozygotes.

Submissions (3):

Labcorp Genetics (formerly Invitae), Labcorp
Classification: Benign. Last evaluated: 2019-12-31. Review status: criteria provided, single submitter. Criteria: Invitae Variant Classification Sherloc (09022015). Collection method: clinical testing. Allele origin: germline.

Breakthrough Genomics
Classification: Benign. Review status: criteria provided, single submitter. Criteria: ACMG Guidelines, 2015. Collection method: not provided. Allele origin: germline. Inheritance: Unknown mechanism. Affected: yes.

PreventionGenetics, part of Exact Sciences
Classification: Benign for KDM3A-related condition. Last evaluated: 2019-08-28. Review status: no assertion criteria provided. Collection method: clinical testing. Allele origin: germline. Not counted in ClinVar's aggregate classification.
Comment: This variant is classified as benign based on ACMG/AMP sequence variant interpretation guidelines (Richards et al. 2015 PMID: 25741868, with internal and published modifications).